The following is an entry in ClinVar:

NM_003737.4(DCHS1):c.7169C>T (p.Pro2390Leu)

Gene: DCHS1 (dachsous cadherin-related 1; minus strand). Cytogenetic location: 11p15.4.
Variant type: single nucleotide variant.
Coding change: c.7169C>T on transcript NM_003737.4 (MANE Select); coding-DNA position 7169, C replaced by T.
Protein change: p.Pro2390Leu; replaces proline 2390 with leucine.
Molecular consequence: missense variant.
Genome position (GRCh38, 1-based): chr11:6,624,846, G>A on the plus strand (C>T on the coding strand, the complement: DCHS1 is on the minus strand). VCF-style: chr11-6624846-G-A. GRCh37 (hg19) VCF-style: chr11-6646077-G-A.
Other names: short protein forms P2390L.
Identifiers: ClinVar variation 2820992 (VCV002820992.3), dbSNP rs1855767311, ClinGen allele CA379483641.
Genomic context (GRCh38, chr11:6,624,846, plus strand): 5'-TGACCGTTGGCACCTGAGTCCCGATCAGTGGCAGAGACGGAGAGAATGGCACTGCCTGGG[G>A]GTGTGTGCTCAAGCAGCATTACCTGAAGTGTGAGGAAAAGTGCTTATTGCCAGGCTTCCC-3'
Protein context (NP_003728.1, residues 2380-2400): LYQVMLLEHT[Pro2390Leu]PGSAILSVSA

ClinVar aggregate classification (germline): Uncertain significance (1 of 4 stars; one submission).

Allele frequency attached by ClinVar (database versions not stated): gnomAD 0.00001.
gnomAD v4.1: 1 of 1,613,736 alleles (0.000062%); highest among the groups gnomAD compares: African/African-American, 0.0013%; no homozygotes.

Submission:

Labcorp Genetics (formerly Invitae), Labcorp
Classification: Uncertain significance. Last evaluated: 2023-08-14. Review status: criteria provided, single submitter. Criteria: Invitae Variant Classification Sherloc (09022015). Collection method: clinical testing. Allele origin: germline.
Comment: This sequence change replaces proline, which is neutral and non-polar, with leucine, which is neutral and non-polar, at codon 2390 of the DCHS1 protein (p.Pro2390Leu). This variant is not present in population databases (gnomAD no frequency). This variant has not been reported in the literature in individuals affected with DCHS1-related conditions. Advanced modeling of protein sequence and biophysical properties (such as structural, functional, and spatial information, amino acid conservation, physicochemical variation, residue mobility, and thermodynamic stability) performed at Invitae indicates that this missense variant is not expected to disrupt DCHS1 protein function. In summary, the available evidence is currently insufficient to determine the role of this variant in disease. Therefore, it has been classified as a Variant of Uncertain Significance.